The following is an entry in ClinVar:

ClinVar aggregate classification (germline): Uncertain significance (1 of 4 stars; one submission).

Conditions:
Hereditary cancer-predisposing syndrome. Also called: Tumor predisposition; Hereditary Cancer Syndrome; Hereditary neoplastic syndrome; Neoplastic Syndromes, Hereditary. Identifiers: Orphanet 140162, MedGen C0027672, MeSH D009386, MONDO:0015356.

Submission:

Ambry Genetics
Classification: Uncertain significance for Hereditary cancer-predisposing syndrome. Last evaluated: 2024-05-24. Review status: criteria provided, single submitter. Criteria: Ambry Variant Classification Scheme 2023. Collection method: clinical testing. Allele origin: germline.
Comment: The p.E1038G variant (also known as c.3113A>G), located in coding exon 22 of the MSH3 gene, results from an A to G substitution at nucleotide position 3113. The glutamic acid at codon 1038 is replaced by glycine, an amino acid with similar properties. This amino acid position is conserved. In addition, this alteration is predicted to be tolerated by in silico analysis. Based on the available evidence, the clinical significance of this variant remains unclear.

NM_002439.5(MSH3):c.3113A>G (p.Glu1038Gly)

Gene: MSH3 (mutS homolog 3; plus strand). Cytogenetic location: 5q14.1.
Variant type: single nucleotide variant.
Coding change: c.3113A>G on transcript NM_002439.5 (MANE Select); coding-DNA position 3113, A replaced by G.
Protein change: p.Glu1038Gly; replaces glutamic acid 1038 with glycine.
Molecular consequence: missense variant.
Genome position (GRCh38, 1-based): chr5:80,864,925, A>G. VCF-style: chr5-80864925-A-G. GRCh37 (hg19) VCF-style: chr5-80160744-A-G.
Other names: short protein forms E1038G.
Identifiers: ClinVar variation 3296298 (VCV003296298.1).
Genomic context (GRCh38, chr5:80,864,925, plus strand): 5'-AAAAAAATTACTCACACCAGGTGGGGAATTACCACATGGGATTCTTGGTCAGTGAGGATG[A>G]AAGCAAACTGGATCCAGGTATGAAATATTCCTGCAGTTGGTACAAATATTGGTTTTCATG-3'
Protein context (NP_002430.3, residues 1028-1048): YHMGFLVSED[Glu1038Gly]SKLDPGAAEQ